The following is an entry in ClinVar:

ClinVar aggregate classification (germline): Uncertain significance (1 of 4 stars; one submission).

Conditions:
Rubinstein-Taybi syndrome due to EP300 haploinsufficiency. Also called: EP300-Related Rubinstein-Taybi Syndrome; RUBINSTEIN-TAYBI SYNDROME 2. Identifiers: Orphanet 353284, Orphanet 783, MedGen C3150941, MONDO:0013364, OMIM 613684.

Submission:

Labcorp Genetics (formerly Invitae), Labcorp
Classification: Uncertain significance for Rubinstein-Taybi syndrome due to EP300 haploinsufficiency. Last evaluated: 2022-07-17. Review status: criteria provided, single submitter. Criteria: Invitae Variant Classification Sherloc (09022015). Collection method: clinical testing. Allele origin: germline.
Comment: This variant has not been reported in the literature in individuals affected with EP300-related conditions. This variant is not present in population databases (gnomAD no frequency). This sequence change replaces proline, which is neutral and non-polar, with alanine, which is neutral and non-polar, at codon 1863 of the EP300 protein (p.Pro1863Ala). Advanced modeling of protein sequence and biophysical properties (such as structural, functional, and spatial information, amino acid conservation, physicochemical variation, residue mobility, and thermodynamic stability) performed at Invitae indicates that this missense variant is not expected to disrupt EP300 protein function. In summary, the available evidence is currently insufficient to determine the role of this variant in disease. Therefore, it has been classified as a Variant of Uncertain Significance.

NM_001429.4(EP300):c.5587C>G (p.Pro1863Ala)

Gene: EP300 (EP300 lysine acetyltransferase; plus strand). Cytogenetic location: 22q13.2.
Variant type: single nucleotide variant.
Coding change: c.5587C>G on transcript NM_001429.4 (MANE Select); coding-DNA position 5587, C replaced by G.
Protein change: p.Pro1863Ala; replaces proline 1863 with alanine.
Molecular consequence: missense variant.
Genome position (GRCh38, 1-based): chr22:41,177,298, C>G. VCF-style: chr22-41177298-C-G. GRCh37 (hg19) VCF-style: chr22-41573302-C-G.
Other names: c.5509C>G, p.Pro1837Ala (NM_001362843.2); short protein forms P1863A, P1837A.
Identifiers: ClinVar variation 2017836 (VCV002017836.4), dbSNP rs1297677732, ClinGen allele CA411709295.